The following is an entry in ClinVar:

ClinVar aggregate classification (germline): Conflicting classifications of pathogenicity. Review status: criteria provided, conflicting classifications (1 of 4 stars). 2 submissions from 2 submitters: Likely pathogenic (1); Uncertain significance (1). Last evaluated 2025-12-30.

Conditions:
Congenital neutropenia-myelofibrosis-nephromegaly syndrome. Also called: Severe congenital neutropenia 5, autosomal recessive. Identifiers: Orphanet 369852, MedGen C3809031, MONDO:0014118, OMIM 615285.

Submissions (2):

Natera, Inc.
Classification: Likely pathogenic for Autosomal recessive severe congenital neutropenia 5. Last evaluated: 2025-12-30. Review status: criteria provided, single submitter. Criteria: Natera Variant Classification Schema (03/2026). Collection method: clinical testing. Allele origin: germline.
Comment: The c.442C>T variant in VPS45 is a nonsense variant predicted to introduce a stop codon at amino acid 148. This variant is expected to result in nonsense mediated decay, truncation, or a dysfunctional protein product. This variant is rare in the general population with a frequency below the threshold expected for the associated phenotype(s). Given the available evidence, this variant is classified as Likely Pathogenic.

Labcorp Genetics (formerly Invitae), Labcorp
Classification: Uncertain significance for Congenital neutropenia-myelofibrosis-nephromegaly syndrome. Last evaluated: 2019-12-21. Review status: criteria provided, single submitter. Criteria: Invitae Variant Classification Sherloc (09022015). Collection method: clinical testing. Allele origin: germline.
Comment: This sequence change creates a premature translational stop signal (p.Arg148*) in the VPS45 gene. It is expected to result in an absent or disrupted protein product. This variant is not present in population databases (ExAC no frequency). This variant has not been reported in the literature in individuals with VPS45-related conditions. The current clinical and genetic evidence is not sufficient to establish whether loss-of-function variants in VPS45 cause disease. In summary, the available evidence is currently insufficient to determine the role of this variant in disease. Therefore, it has been classified as a Variant of Uncertain Significance.

NM_007259.5(VPS45):c.442C>T (p.Arg148Ter)

Gene: VPS45 (vacuolar protein sorting 45 homolog; plus strand). Cytogenetic location: 1q21.2.
Variant type: single nucleotide variant.
Coding change: c.442C>T on transcript NM_007259.5 (MANE Select); coding-DNA position 442, C replaced by T.
Protein change: p.Arg148Ter; replaces arginine 148 with a stop codon.
Molecular consequence: nonsense. On other transcripts: intron variant (1).
Genome position (GRCh38, 1-based): chr1:150,077,097, C>T. VCF-style: chr1-150077097-C-T. GRCh37 (hg19) VCF-style: chr1-150049175-C-T.
Other names: c.334C>T, p.Arg112Ter (NM_001279354.2); c.262-572C>T (NM_001279353.2); short protein forms R148*, R112*.
Identifiers: ClinVar variation 863222 (VCV000863222.7), dbSNP rs1655433446, ClinGen allele CA342264171.